The following is an entry in ClinVar:

ClinVar aggregate classification (germline): Likely benign (0 of 4 stars; one submission).

Conditions:
SEMA6B-related disorder. Also called: SEMA6B-related condition.

Allele frequency attached by ClinVar (database versions not stated): ExAC 0.00025; ESP Exome Variant Server 0.00036; TOPMed 0.00116; gnomAD 0.00123; 1000 Genomes Project 0.00200; 1000 Genomes Project 30x 0.00219.
gnomAD v4.1: 320 of 1,545,428 alleles (0.021%); highest among the groups gnomAD compares: African/African-American, 0.4%; 1 homozygote.

Submission:

PreventionGenetics, part of Exact Sciences
Classification: Likely benign for SEMA6B-related condition. Last evaluated: 2019-05-28. Review status: no assertion criteria provided. Collection method: clinical testing. Allele origin: germline.
Comment: This variant is classified as likely benign based on ACMG/AMP sequence variant interpretation guidelines (Richards et al. 2015 PMID: 25741868, with internal and published modifications).

NM_032108.4(SEMA6B):c.1923G>C (p.Ala641=)

Gene: SEMA6B (semaphorin 6B; minus strand). Cytogenetic location: 19p13.3.
Variant type: single nucleotide variant.
Coding change: c.1923G>C on transcript NM_032108.4 (MANE Select); coding-DNA position 1923, G replaced by C.
Protein change: p.Ala641=; no amino-acid change (alanine 641 retained).
Molecular consequence: synonymous variant.
Genome position (GRCh38, 1-based): chr19:4,544,345, C>G on the plus strand (G>C on the coding strand, the complement: SEMA6B is on the minus strand). VCF-style: chr19-4544345-C-G. GRCh37 (hg19) VCF-style: chr19-4544357-C-G.
Identifiers: ClinVar variation 3038541 (VCV003038541.2), dbSNP rs200785087, ClinGen allele CA9102284.
Genomic context (GRCh38, chr19:4,544,345, plus strand): 5'-ACCCTGCGCCCTGCGCTCGCCCAGGCGGCTGACGCTCAGCACCGCCTCGCCCGCCCCGTG[C>G]GCCAGGATGGCCTCCTTGTCCTTGCGCCGGGCCAGCTCCCGCCGCTCACGGAGGCCCACG-3'
Protein context (NP_115484.2, residues 631-651): ARRKDKEAIL[Ala641=]HGAGEAVLSV